The following is an entry in ClinVar:

ClinVar aggregate classification (germline): Uncertain significance. Review status: criteria provided, multiple submitters, no conflicts (2 of 4 stars). 3 submissions from 3 submitters: Uncertain significance (3). Last evaluated 2025-09-10.

Conditions:
Generalized epilepsy-paroxysmal dyskinesia syndrome (PNKD3). Also called: Generalized epilepsy and paroxysmal dyskinesia; Paroxysmal nonkinesigenic dyskinesia, 3, with or without generalized epilepsy. Identifiers: Orphanet 79137, MedGen C5574945, MONDO:0012276, OMIM 609446.
Liang-Wang syndrome. Identifiers: Orphanet 664438, MedGen C5231479, MONDO:0032886, OMIM 618729.

Allele frequency attached by ClinVar (database versions not stated): gnomAD exomes 0.00001.
gnomAD v4.1: 8 of 1,611,580 alleles (0.0005%); highest among the groups gnomAD compares: Middle Eastern, 0.066%; no homozygotes.

Submissions (3):

Genomic Medicine Center of Excellence, King Faisal Specialist Hospital and Research Centre
Classification: Uncertain significance for Liang-Wang syndrome. Last evaluated: 2025-09-10. Review status: criteria provided, single submitter. Criteria: ACMG Guidelines, 2015. Collection method: clinical testing. Allele origin: germline.

Labcorp Genetics (formerly Invitae), Labcorp
Classification: Uncertain significance for Generalized epilepsy-paroxysmal dyskinesia syndrome. Last evaluated: 2025-07-03. Review status: criteria provided, single submitter. Criteria: Invitae Variant Classification Sherloc (09022015). Collection method: clinical testing. Allele origin: germline.
Comment: This sequence change replaces serine, which is neutral and polar, with phenylalanine, which is neutral and non-polar, at codon 59 of the KCNMA1 protein (p.Ser59Phe). This variant is not present in population databases (gnomAD no frequency). This variant has not been reported in the literature in individuals affected with KCNMA1-related conditions. ClinVar contains an entry for this variant (Variation ID: 2894664). An algorithm developed to predict the effect of missense changes on protein structure and function (PolyPhen-2) suggests that this variant is likely to be disruptive. In summary, the available evidence is currently insufficient to determine the role of this variant in disease. Therefore, it has been classified as a Variant of Uncertain Significance.

Blueprint Genetics
Classification: Uncertain significance. Last evaluated: 2021-09-19. Review status: criteria provided, single submitter. Criteria: ACMG Guidelines, 2015. Collection method: clinical testing. Allele origin: germline.

NM_001161352.2(KCNMA1):c.176C>T (p.Ser59Phe)

Gene: KCNMA1 (potassium calcium-activated channel subfamily M alpha 1; minus strand). Cytogenetic location: 10q22.3.
Variant type: single nucleotide variant.
Coding change: c.176C>T on transcript NM_001161352.2 (MANE Select); coding-DNA position 176, C replaced by T.
Protein change: p.Ser59Phe; replaces serine 59 with phenylalanine.
Molecular consequence: missense variant.
Genome position (GRCh38, 1-based): chr10:77,637,467, G>A on the plus strand (C>T on the coding strand, the complement: KCNMA1 is on the minus strand). VCF-style: chr10-77637467-G-A. GRCh37 (hg19) VCF-style: chr10-79397225-G-A.
Other names: c.176C>T, p.Ser59Phe (NM_001014797.3, NM_001161353.2, NM_001271518.2 and 13 more transcripts); short protein forms S59F.
Identifiers: ClinVar variation 2894664 (VCV002894664.5), dbSNP rs2552275366, ClinGen allele CA377412616.